The following is an entry in ClinVar:

NM_001097577.3(ANG):c.116A>G (p.Asp39Gly)

Genes: ANG (angiogenin; plus strand), EGILA (EGFR interacting lncRNA; minus strand), RNASE4 (ribonuclease A family member 4; plus strand). Cytogenetic location: 14q11.2.
Variant type: single nucleotide variant.
Coding change: c.116A>G on transcript NM_001097577.3 (MANE Select); coding-DNA position 116, A replaced by G.
Protein change: p.Asp39Gly; replaces aspartic acid 39 with glycine.
Molecular consequence: missense variant. On other transcripts: non-coding transcript variant (1), intron variant (4).
Genome position (GRCh38, 1-based): chr14:20,693,680, A>G. VCF-style: chr14-20693680-A-G. GRCh37 (hg19) VCF-style: chr14-21161839-A-G.
Other names: c.116A>G, p.Asp39Gly (NM_001145.4, NM_001385271.1, NM_001385272.1 and 2 more transcripts); c.-18+30A>G (NM_001282192.2); c.-17-5675A>G (NM_002937.5, NM_001282193.2); c.-18+4806A>G (NM_194431.3); short protein forms D39G.
Identifiers: ClinVar variation 4874903 (VCV004874903.2).
Genomic context (GRCh38, chr14:20,693,680, plus strand): 5'-CCCCACCGACCCTGGCTCAGGATAACTCCAGGTACACACACTTCCTGACCCAGCACTATG[A>G]TGCCAAACCACAGGGCCGGGATGACAGATACTGTGAAAGCATCATGAGGAGACGGGGCCT-3'
Protein context (NP_001091046.1, residues 29-49): RYTHFLTQHY[Asp39Gly]AKPQGRDDRY

ClinVar aggregate classification (germline): Uncertain significance (1 of 4 stars; one submission).

Submission:

CeGaT Center for Human Genetics Tuebingen
Classification: Uncertain significance. Last evaluated: 2026-05-01. Review status: criteria provided, single submitter. Criteria: CeGaT Center For Human Genetics Tuebingen Variant Classification Criteria Version 2. Collection method: clinical testing. Allele origin: germline. Affected: yes. Observed: 1 variant allele.
Comment: ANG: PM2